The following is an entry in ClinVar:

ClinVar aggregate classification (germline): Uncertain significance (1 of 4 stars; one submission).

Conditions:
Hereditary cancer-predisposing syndrome. Also called: Neoplastic Syndromes, Hereditary; Tumor predisposition; Hereditary Cancer Syndrome; Hereditary neoplastic syndrome. Identifiers: Orphanet 140162, MedGen C0027672, MeSH D009386, MONDO:0015356.

Submission:

Ambry Genetics
Classification: Uncertain significance for Hereditary cancer-predisposing syndrome. Last evaluated: 2025-12-21. Review status: criteria provided, single submitter. Criteria: Ambry Variant Classification Scheme 2023. Collection method: clinical testing. Allele origin: germline.
Comment: The p.F1651L variant (also known as c.4953T>A), located in coding exon 15 of the APC gene, results from a T to A substitution at nucleotide position 4953. The phenylalanine at codon 1651 is replaced by leucine, an amino acid with highly similar properties. This amino acid position is conserved. In addition, in silico predictors for this gene do not accurately predict pathogenicity. Based on the available evidence, the clinical significance of this variant remains unclear.

NM_000038.6(APC):c.4953T>A (p.Phe1651Leu)

Gene: APC (APC regulator of Wnt signaling pathway; plus strand). Cytogenetic location: 5q22.2.
Variant type: single nucleotide variant.
Coding change: c.4953T>A on transcript NM_000038.6 (MANE Select); coding-DNA position 4953, T replaced by A.
Protein change: p.Phe1651Leu; replaces phenylalanine 1651 with leucine.
Molecular consequence: missense variant. On other transcripts: non-coding transcript variant (2).
Genome position (GRCh38, 1-based): chr5:112,840,547, T>A. VCF-style: chr5-112840547-T-A. GRCh37 (hg19) VCF-style: chr5-112176244-T-A.
Other names: c.4776T>A, p.Phe1592Leu (NM_001407453.1, NM_001354901.2); c.4704T>A, p.Phe1568Leu (NM_001407454.1, NM_001407455.1, NM_001407456.1 and 1 more transcripts); c.4650T>A, p.Phe1550Leu (NM_001407458.1, NM_001407459.1, NM_001407460.1 and 1 more transcripts); c.4566T>A, p.Phe1522Leu (NM_001407467.1, NM_001407469.1); c.4104T>A, p.Phe1368Leu (NM_001407470.1, NM_001354906.2); c.3801T>A, p.Phe1267Leu (NM_001407471.1, NM_001407472.1); c.4953T>A, p.Phe1651Leu (NM_001127510.3, NM_001354895.2, NM_001407450.1); c.4899T>A, p.Phe1633Leu (NM_001127511.3); and 11 more; short protein forms F1368L, F1491L, F1633L, F1644L, F1651L, F1679L, F1267L, F1522L.
Identifiers: ClinVar variation 4843521 (VCV004843521.1).